The following is an entry in ClinVar:

ClinVar aggregate classification (germline): Uncertain significance (1 of 4 stars; one submission).

Conditions:
Norman-Roberts syndrome (LIS2). Also called: Lissencephaly 2 (Norman-Roberts type). Identifiers: Orphanet 89844, MedGen C0796089, MONDO:0009760, OMIM 257320.
Familial temporal lobe epilepsy 7. Identifiers: Orphanet 101046, MedGen C4225327, MONDO:0014639, OMIM 616436.

Submission:

Labcorp Genetics (formerly Invitae), Labcorp
Classification: Uncertain significance for Familial temporal lobe epilepsy 7; Norman-Roberts syndrome. Last evaluated: 2022-09-01. Review status: criteria provided, single submitter. Criteria: Invitae Variant Classification Sherloc (09022015). Collection method: clinical testing. Allele origin: germline.
Comment: In summary, the available evidence is currently insufficient to determine the role of this variant in disease. Therefore, it has been classified as a Variant of Uncertain Significance. Algorithms developed to predict the effect of missense changes on protein structure and function (SIFT, PolyPhen-2, Align-GVGD) all suggest that this variant is likely to be tolerated. ClinVar contains an entry for this variant (Variation ID: 954802). This variant has not been reported in the literature in individuals affected with RELN-related conditions. This variant is not present in population databases (gnomAD no frequency). This sequence change replaces serine, which is neutral and polar, with proline, which is neutral and non-polar, at codon 116 of the RELN protein (p.Ser116Pro).

NM_005045.4(RELN):c.346T>C (p.Ser116Pro)

Gene: RELN (reelin; minus strand). Cytogenetic location: 7q22.1.
Variant type: single nucleotide variant.
Coding change: c.346T>C on transcript NM_005045.4 (MANE Select); coding-DNA position 346, T replaced by C.
Protein change: p.Ser116Pro; replaces serine 116 with proline.
Molecular consequence: missense variant.
Genome position (GRCh38, 1-based): chr7:103,833,664, A>G on the plus strand (T>C on the coding strand, the complement: RELN is on the minus strand). VCF-style: chr7-103833664-A-G. GRCh37 (hg19) VCF-style: chr7-103474111-A-G.
Other names: c.346T>C, p.Ser116Pro (NM_173054.3); short protein forms S116P.
Identifiers: ClinVar variation 954802 (VCV000954802.9), dbSNP rs1793329078, ClinGen allele CA368930925.